The following is an entry in ClinVar:

NM_002972.4(SBF1):c.279+3C>T

Gene: SBF1 (SET binding factor 1; minus strand). Cytogenetic location: 22q13.33.
Variant type: single nucleotide variant.
Coding change: c.279+3C>T on transcript NM_002972.4 (MANE Select); 3 bases into the intron after coding-DNA position 279, C replaced by T.
Molecular consequence: intron variant.
Genome position (GRCh38, 1-based): chr22:50,467,783, G>A on the plus strand (C>T on the coding strand, the complement: SBF1 is on the minus strand). VCF-style: chr22-50467783-G-A. GRCh37 (hg19) VCF-style: chr22-50906212-G-A.
Other names: c.279+3C>T (NM_001365819.1).
Identifiers: ClinVar variation 1937363 (VCV001937363.3), dbSNP rs746459050, ClinGen allele CA10318176.

ClinVar aggregate classification (germline): Uncertain significance. Review status: criteria provided, multiple submitters, no conflicts (2 of 4 stars). 2 submissions from 2 submitters: Uncertain significance (2). Last evaluated 2024-01-03.

Allele frequency attached by ClinVar (database versions not stated): gnomAD 0.00001; TOPMed 0.00001; ExAC 0.00002; gnomAD exomes 0.00005.
gnomAD v4.1: 71 of 1,613,724 alleles (0.0044%); highest among the groups gnomAD compares: Non-Finnish European, 0.0059%; no homozygotes.

Submissions (2):

Women's Health and Genetics/Laboratory Corporation of America, LabCorp
Classification: Uncertain significance. Last evaluated: 2024-01-03. Review status: criteria provided, single submitter. Criteria: LabCorp Variant Classification Summary - May 2015. Collection method: clinical testing. Allele origin: germline.
Comment: Variant summary: SBF1 c.279+3C>T alters a non-conserved nucleotide located close to a canonical splice site and therefore could affect mRNA splicing, leading to a significantly altered protein sequence. Consensus agreement among computation tools predict no significant impact on normal splicing. However, these predictions have yet to be confirmed by functional studies. The variant allele was found at a frequency of 1.2e-05 in 248256 control chromosomes (gnomAD). The available data on variant occurrences in the general population are insufficient to allow any conclusion about variant significance. To our knowledge, no occurrence of c.279+3C>T in individuals affected with Charcot Marie Tooth Disease Type 4B3 and no experimental evidence demonstrating its impact on protein function have been reported. One submitter has cited a clinical-significance assessment for this variant to ClinVar after 2014 and has classified the variant as uncertain significance. Based on the evidence outlined above, the variant was classified as uncertain significance.

Labcorp Genetics (formerly Invitae), Labcorp
Classification: Uncertain significance. Last evaluated: 2022-03-20. Review status: criteria provided, single submitter. Criteria: Invitae Variant Classification Sherloc (09022015). Collection method: clinical testing. Allele origin: germline.
Comment: This sequence change falls in intron 3 of the SBF1 gene. It does not directly change the encoded amino acid sequence of the SBF1 protein. It affects a nucleotide within the consensus splice site. This variant is present in population databases (rs746459050, gnomAD 0.003%). This variant has not been reported in the literature in individuals affected with SBF1-related conditions. Variants that disrupt the consensus splice site are a relatively common cause of aberrant splicing (PMID: 17576681, 9536098). Algorithms developed to predict the effect of sequence changes on RNA splicing suggest that this variant is not likely to affect RNA splicing. In summary, the available evidence is currently insufficient to determine the role of this variant in disease. Therefore, it has been classified as a Variant of Uncertain Significance.

Literature cited by the submitters: PubMed 17576681 (cited by Labcorp Genetics (formerly Invitae), Labcorp); PubMed 9536098 (cited by Labcorp Genetics (formerly Invitae), Labcorp).